The following is an entry in ClinVar:

ClinVar aggregate classification (germline): Uncertain significance. Review status: criteria provided, multiple submitters, no conflicts (2 of 4 stars). 2 submissions from 2 submitters: Uncertain significance (2). Last evaluated 2025-10-29.

Conditions:
Inborn genetic diseases. Identifiers: MedGen C0950123, MeSH D030342.
Immunodeficiency 104. Also called: SCID, AUTOSOMAL RECESSIVE, T CELL-NEGATIVE, B CELL-POSITIVE, NK CELL-POSITIVE; Severe Combined Immune Deficiency, Autosomal Recessive, TCell -Negative, B Cell-Positive, NK Cell-Positive, IL7R-Related; Severe combined immunodeficiency, autosomal recessive, T cell-negative, B cell-positive, NK cell-positive; IMMUNODEFICIENCY 104, SEVERE COMBINED. Identifiers: MedGen C5676890, MONDO:0012163, OMIM 608971.

Allele frequency attached by ClinVar (database versions not stated): gnomAD exomes below 0.00001 and 0.00001; TOPMed 0.00002; gnomAD 0.00003.
gnomAD v4.1: 17 of 1,613,486 alleles (0.0011%); highest among the groups gnomAD compares: African/African-American, 0.004%; no homozygotes.

Submissions (2):

Labcorp Genetics (formerly Invitae), Labcorp
Classification: Uncertain significance for Immunodeficiency 104. Last evaluated: 2025-10-29. Review status: criteria provided, single submitter. Criteria: Invitae Variant Classification Sherloc (09022015). Collection method: clinical testing. Allele origin: germline.
Comment: This sequence change replaces isoleucine, which is neutral and non-polar, with threonine, which is neutral and polar, at codon 464 of the PTPRC protein (p.Ile464Thr). This variant is present in population databases (no rsID available, gnomAD 0.007%). This variant has not been reported in the literature in individuals affected with PTPRC-related conditions. ClinVar contains an entry for this variant (Variation ID: 649587). An algorithm developed to predict the effect of missense changes on protein structure and function outputs the following: PolyPhen-2: "Benign". The threonine amino acid residue is found in multiple mammalian species, which suggests that this missense change does not adversely affect protein function. In summary, the available evidence is currently insufficient to determine the role of this variant in disease. Therefore, it has been classified as a Variant of Uncertain Significance.

Ambry Genetics
Classification: Uncertain significance for Inborn genetic diseases. Last evaluated: 2025-03-20. Review status: criteria provided, single submitter. Criteria: Ambry Variant Classification Scheme 2023. Collection method: clinical testing. Allele origin: germline.

NM_002838.5(PTPRC):c.1391T>C (p.Ile464Thr)

Gene: PTPRC (protein tyrosine phosphatase receptor type C; plus strand). Cytogenetic location: 1q32.1.
Variant type: single nucleotide variant.
Coding change: c.1391T>C on transcript NM_002838.5 (MANE Select); coding-DNA position 1391, T replaced by C.
Protein change: p.Ile464Thr; replaces isoleucine 464 with threonine.
Molecular consequence: missense variant.
Genome position (GRCh38, 1-based): chr1:198,716,781, T>C. VCF-style: chr1-198716781-T-C. GRCh37 (hg19) VCF-style: chr1-198685910-T-C.
Other names: c.1385T>C (NM_002838.3); c.908T>C, p.Ile303Thr (NM_080921.4); short protein forms I464T, I303T.
Identifiers: ClinVar variation 649587 (VCV000649587.10), dbSNP rs899389630, ClinGen allele CA35893063.